The following is an entry in ClinVar:

ClinVar aggregate classification (germline): Likely pathogenic. Review status: criteria provided, multiple submitters, no conflicts (2 of 4 stars). 2 submissions from 2 submitters: Likely pathogenic (2). Last evaluated 2024-04-21.

Conditions:
Retinitis pigmentosa 45 (RP45). Identifiers: Orphanet 791, MedGen C3151066, MONDO:0013413, OMIM 613767.

Allele frequency attached by ClinVar (database versions not stated): gnomAD exomes below 0.00001; gnomAD 0.00001; TOPMed 0.00001.
gnomAD v4.1: 4 of 1,613,636 alleles (0.00025%); highest among the groups gnomAD compares: African/African-American, 0.004%; no homozygotes.

Submissions (2):

Fulgent Genetics
Classification: Likely pathogenic for Retinitis pigmentosa 45. Last evaluated: 2024-04-21. Review status: criteria provided, single submitter. Criteria: ACMG Guidelines, 2015. Collection method: clinical testing. Allele origin: germline.

Labcorp Genetics (formerly Invitae), Labcorp
Classification: Likely pathogenic. Last evaluated: 2022-06-14. Review status: criteria provided, single submitter. Criteria: Invitae Variant Classification Sherloc (09022015). Collection method: clinical testing. Allele origin: germline.
Comment: This variant is present in population databases (no rsID available, gnomAD 0.007%). In summary, the currently available evidence indicates that the variant is pathogenic, but additional data are needed to prove that conclusively. Therefore, this variant has been classified as Likely Pathogenic. Algorithms developed to predict the effect of sequence changes on RNA splicing suggest that this variant may disrupt the consensus splice site. This variant has not been reported in the literature in individuals affected with CNGB1-related conditions. This sequence change affects a donor splice site in intron 7 of the CNGB1 gene. It is expected to disrupt RNA splicing. Variants that disrupt the donor or acceptor splice site typically lead to a loss of protein function (PMID: 16199547), and loss-of-function variants in CNGB1 are known to be pathogenic (PMID: 15557452, 24043777).

Literature cited by the submitters: PubMed 16199547 (cited by Labcorp Genetics (formerly Invitae), Labcorp); PubMed 15557452 (cited by Labcorp Genetics (formerly Invitae), Labcorp); PubMed 24043777 (cited by Labcorp Genetics (formerly Invitae), Labcorp).

NM_001297.5(CNGB1):c.458+1G>A

Gene: CNGB1 (cyclic nucleotide gated channel subunit beta 1; minus strand). Cytogenetic location: 16q21.
Variant type: single nucleotide variant.
Coding change: c.458+1G>A on transcript NM_001297.5 (MANE Select); the canonical splice donor site of the intron after coding-DNA position 458, G replaced by A.
Molecular consequence: splice donor variant.
Genome position (GRCh38, 1-based): chr16:57,962,564, C>T on the plus strand (G>A on the coding strand, the complement: CNGB1 is on the minus strand). VCF-style: chr16-57962564-C-T. GRCh37 (hg19) VCF-style: chr16-57996468-C-T.
Other names: c.458+1G>A (NM_001286130.2, NM_001135639.2).
Identifiers: ClinVar variation 1942073 (VCV001942073.6), dbSNP rs1445887025, ClinGen allele CA396078525.